The following is an entry in ClinVar:

NM_006904.7(PRKDC):c.5015T>G (p.Phe1672Cys)

Gene: PRKDC (protein kinase, DNA-activated, catalytic subunit; minus strand). Cytogenetic location: 8q11.21.
Variant type: single nucleotide variant.
Coding change: c.5015T>G on transcript NM_006904.7 (MANE Select); coding-DNA position 5015, T replaced by G.
Protein change: p.Phe1672Cys; replaces phenylalanine 1672 with cysteine.
Molecular consequence: missense variant.
Genome position (GRCh38, 1-based): chr8:47,881,468, A>C on the plus strand (T>G on the coding strand, the complement: PRKDC is on the minus strand). VCF-style: chr8-47881468-A-C. GRCh37 (hg19) VCF-style: chr8-48794029-A-C.
Other names: c.5015T>G, p.Phe1672Cys (NM_001081640.2); short protein forms F1672C.
Identifiers: ClinVar variation 2564573 (VCV002564573.2), dbSNP rs2551872549, ClinGen allele CA371139922.

ClinVar aggregate classification (germline): Uncertain significance (1 of 4 stars; one submission).

Submission:

Ambry Genetics
Classification: Uncertain significance. Last evaluated: 2023-06-11. Review status: criteria provided, single submitter. Criteria: Ambry Variant Classification Scheme 2023. Collection method: clinical testing. Allele origin: germline.
Comment: The p.F1672C variant (also known as c.5015T>G), located in coding exon 38 of the PRKDC gene, results from a T to G substitution at nucleotide position 5015. The phenylalanine at codon 1672 is replaced by cysteine, an amino acid with highly dissimilar properties. This amino acid position is conserved. In addition, the in silico prediction for this alteration is inconclusive. Since supporting evidence is limited at this time, the clinical significance of this alteration remains unclear.